The following is an entry in ClinVar:

ClinVar aggregate classification (germline): Uncertain significance (1 of 4 stars; one submission).

Conditions:
MYCBP2-related disorder. Also called: MYCBP2-related condition.

Submission:

PreventionGenetics, part of Exact Sciences
Classification: Uncertain significance for MYCBP2-related condition. Last evaluated: 2023-10-04. Review status: criteria provided, single submitter. Criteria: ACMG Guidelines, 2015. Collection method: clinical testing. Allele origin: germline.
Comment: The MYCBP2 c.9679A>G variant is predicted to result in the amino acid substitution p.Met3227Val. To our knowledge, this variant has not been reported in the literature or in a large population database, indicating this variant is rare. At this time, the clinical significance of this variant is uncertain due to the absence of conclusive functional and genetic evidence.

NM_015057.5(MYCBP2):c.9679A>G (p.Met3227Val)

Gene: MYCBP2 (MYC binding protein 2; minus strand). Cytogenetic location: 13q22.3.
Variant type: single nucleotide variant.
Coding change: c.9679A>G on transcript NM_015057.5 (MANE Select); coding-DNA position 9679, A replaced by G.
Protein change: p.Met3227Val; replaces methionine 3227 with valine.
Molecular consequence: missense variant.
Genome position (GRCh38, 1-based): chr13:77,097,475, T>C on the plus strand (A>G on the coding strand, the complement: MYCBP2 is on the minus strand). VCF-style: chr13-77097475-T-C. GRCh37 (hg19) VCF-style: chr13-77671610-T-C.
Other names: short protein forms M3227V.
Identifiers: ClinVar variation 2636831 (VCV002636831.1), dbSNP rs2503548054, ClinGen allele CA388387988.